The following is an entry in ClinVar:

ClinVar aggregate classification (germline): Uncertain significance. Review status: criteria provided, multiple submitters, no conflicts (2 of 4 stars). 2 submissions from 2 submitters: Uncertain significance (2). Last evaluated 2023-08-31.

Conditions:
Bosch-Boonstra-Schaaf optic atrophy syndrome (BBSOAS). Also called: NR2F1-Related Neurodevelopmental Disorder. Identifiers: Orphanet 401777, MedGen C3810363, MONDO:0014320, OMIM 615722.

Allele frequency attached by ClinVar (database versions not stated): gnomAD 0.00001; gnomAD exomes 0.00001.
gnomAD v4.1: 6 of 1,032,048 alleles (0.00058%); highest among the groups gnomAD compares: South Asian, 0.004%; no homozygotes.

Submissions (2):

Labcorp Genetics (formerly Invitae), Labcorp
Classification: Uncertain significance. Last evaluated: 2023-08-31. Review status: criteria provided, single submitter. Criteria: Invitae Variant Classification Sherloc (09022015). Collection method: clinical testing. Allele origin: germline.
Comment: This variant is not present in population databases (gnomAD no frequency). This sequence change replaces glycine, which is neutral and non-polar, with arginine, which is basic and polar, at codon 17 of the NR2F1 protein (p.Gly17Arg). In summary, the available evidence is currently insufficient to determine the role of this variant in disease. Therefore, it has been classified as a Variant of Uncertain Significance. An algorithm developed to predict the effect of missense changes on protein structure and function (PolyPhen-2) suggests that this variant is likely to be disruptive. ClinVar contains an entry for this variant (Variation ID: 1806205). This variant has not been reported in the literature in individuals affected with NR2F1-related conditions.

Victorian Clinical Genetics Services, Murdoch Childrens Research Institute
Classification: Uncertain significance for Bosch-Boonstra-Schaaf optic atrophy syndrome. Last evaluated: 2021-05-06. Review status: criteria provided, single submitter. Criteria: ACMG Guidelines, 2015. Collection method: clinical testing. Allele origin: germline. Inheritance: Autosomal dominant inheritance.
Comment: Based on the classification scheme VCGS_Germline_v1.3.4, this variant is classified as VUS-3B. Following criteria are met: 0102 - Loss of function is a known mechanism of disease in this gene and is associated with Bosch-Boonstra-Schaaf optic atrophy syndrome (MIM#615722), and a dominant negative mechanism has also been suggested (OMIM, PMID: 24462372, PMID: 26986877). (I) 0107 - This gene is associated with autosomal dominant disease. (I) 0200 - Variant is predicted to result in a missense amino acid change from glycine to arginine. (I) 0251 - This variant is heterozygous. (I) 0302 - Variant is present in gnomAD (v3) <0.001 for a dominant condition (1 heterozygote, 0 homozygotes). (SP) 0309 - An alternative amino acid change at the same position has been observed in gnomAD (v3) (1 heterozygote, 0 homozygotes). (I) 0502 - Missense variant with conflicting in silico predictions and uninformative conservation. (I) 0604 - Variant is not located in an established domain, motif, hotspot or informative constraint region. (I) 0705 - No comparable missense variants have previous evidence for pathogenicity. (I) 0809 - Previous evidence of pathogenicity for this variant is inconclusive. The variant has previously been reported as a VUS, with no further information available (LOVD). (I) 0905 - No published segregation evidence has been identified for this variant. (I) 1007 - No published functional evidence has been identified for this variant. Paternal inheritance information is not currently available. Legend: (SP) - Supporting pathogenic, (I) - Information, (SB) - Supporting benign

Literature cited by the submitters: PubMed 24462372 (cited by Victorian Clinical Genetics Services, Murdoch Childrens Research Institute); PubMed 26986877 (cited by Victorian Clinical Genetics Services, Murdoch Childrens Research Institute).

NM_005654.6(NR2F1):c.49G>C (p.Gly17Arg)

Genes: NR2F1-AS1 (NR2F1 regulatory antisense RNA 1; minus strand), NR2F1 (nuclear receptor subfamily 2 group F member 1; plus strand). Cytogenetic location: 5q15.
Variant type: single nucleotide variant.
Coding change: c.49G>C on transcript NM_005654.6 (MANE Select); coding-DNA position 49, G replaced by C.
Protein change: p.Gly17Arg; replaces glycine 17 with arginine.
Molecular consequence: missense variant.
Genome position (GRCh38, 1-based): chr5:93,585,072, G>C. VCF-style: chr5-93585072-G-C. GRCh37 (hg19) VCF-style: chr5-92920778-G-C.
Other names: short protein forms G17R.
Identifiers: ClinVar variation 1806205 (VCV001806205.4), dbSNP rs962179278, ClinGen allele CA360525417.